The following is an entry in ClinVar:

NM_198076.6(COX20):c.9C>T (p.Ala3=)

Genes: COX20 (cytochrome c oxidase assembly factor COX20; plus strand), LOC129932912 (ATAC-STARR-seq lymphoblastoid silent region 2019; plus strand). Cytogenetic location: 1q44.
Variant type: single nucleotide variant.
Coding change: c.9C>T on transcript NM_198076.6 (MANE Select); coding-DNA position 9, C replaced by T.
Protein change: p.Ala3=; no amino-acid change (alanine 3 retained).
Molecular consequence: synonymous variant. On other transcripts: non-coding transcript variant (3).
Genome position (GRCh38, 1-based): chr1:244,835,723, C>T. VCF-style: chr1-244835723-C-T. GRCh37 (hg19) VCF-style: chr1-244999025-C-T.
Other names: c.9C>T, p.Ala3= (NM_001312871.1, NM_001312872.1, NM_001312873.1 and 1 more transcripts); c.9C>T (NM_198076.5).
Identifiers: ClinVar variation 1644151 (VCV001644151.10), dbSNP rs1445158730, ClinGen allele CA424366978.

ClinVar aggregate classification (germline): Likely benign. Review status: criteria provided, single submitter (1 of 4 stars). 2 submissions from 2 submitters: Likely benign (1). 1 of the submissions does not count toward it. Last evaluated 2024-04-11.

Conditions:
COX20-related disorder. Also called: COX20-related condition.

Allele frequency attached by ClinVar (database versions not stated): gnomAD exomes 0.00006.
gnomAD v4.1: 63 of 1,268,490 alleles (0.005%); highest among the groups gnomAD compares: Non-Finnish European, 0.0063%; no homozygotes.

Submissions (2):

Labcorp Genetics (formerly Invitae), Labcorp
Classification: Likely benign. Last evaluated: 2024-04-11. Review status: criteria provided, single submitter. Criteria: Invitae Variant Classification Sherloc (09022015). Collection method: clinical testing. Allele origin: germline.

PreventionGenetics, part of Exact Sciences
Classification: Likely benign for COX20-related condition. Last evaluated: 2020-03-20. Review status: no assertion criteria provided. Collection method: clinical testing. Allele origin: germline. Not counted in ClinVar's aggregate classification.
Comment: This variant is classified as likely benign based on ACMG/AMP sequence variant interpretation guidelines (Richards et al. 2015 PMID: 25741868, with internal and published modifications).